The following is an entry in ClinVar:

ClinVar aggregate classification (germline): Likely benign (0 of 4 stars; one submission).

Conditions:
SPN-related disorder. Also called: SPN-related condition.

Allele frequency attached by ClinVar (database versions not stated): gnomAD exomes 0.00002; ExAC 0.00005; ESP Exome Variant Server 0.00008; gnomAD 0.00013; TOPMed 0.00015.
gnomAD v4.1: 42 of 1,591,572 alleles (0.0026%); highest among the groups gnomAD compares: African/African-American, 0.051%; no homozygotes.

Submission:

PreventionGenetics, part of Exact Sciences
Classification: Likely benign for SPN-related condition. Last evaluated: 2019-04-25. Review status: no assertion criteria provided. Collection method: clinical testing. Allele origin: germline.
Comment: This variant is classified as likely benign based on ACMG/AMP sequence variant interpretation guidelines (Richards et al. 2015 PMID: 25741868, with internal and published modifications).

NM_003123.6(SPN):c.27G>T (p.Gly9=)

Gene: SPN (sialophorin; plus strand). Cytogenetic location: 16p11.2.
Variant type: single nucleotide variant.
Coding change: c.27G>T on transcript NM_003123.6 (MANE Select); coding-DNA position 27, G replaced by T.
Protein change: p.Gly9=; no amino-acid change (glycine 9 retained).
Molecular consequence: synonymous variant.
Genome position (GRCh38, 1-based): chr16:29,663,755, G>T. VCF-style: chr16-29663755-G-T. GRCh37 (hg19) VCF-style: chr16-29675076-G-T.
Other names: c.27G>T, p.Gly9= (NM_001030288.4).
Identifiers: ClinVar variation 3047061 (VCV003047061.2), dbSNP rs368227662, ClinGen allele CA7992101.